The following is an entry in ClinVar:

ClinVar aggregate classification (germline): Conflicting classifications of pathogenicity. Review status: criteria provided, conflicting classifications (1 of 4 stars). 8 submissions from 8 submitters: Likely pathogenic (1); Uncertain significance (6). 1 of the submissions does not count toward it. Last evaluated 2026-01-06.

Conditions:
RYR1-related disorder. Also called: RYR1-related disorders; RYR1-related condition. Identifiers: MedGen CN239331.
Congenital myopathy. Identifiers: Orphanet 97245, MedGen C0270960, MONDO:0019952.
Malignant hyperthermia, susceptibility to, 1 (MHS1). Also called: Anesthesia related hyperthermia; Malignant hyperpyrexia; Fulminating hyperpyrexia; Pharmacogenic myopathy; RYR1-Related Malignant Hyperthermia Susceptibility; Malignant hyperthermia suceptibility 1. Identifiers: Orphanet 423, MedGen C2930980, MONDO:0007783, OMIM 145600.

Allele frequency attached by ClinVar (database versions not stated): ExAC 0.00003; gnomAD 0.00006 and 0.00007; gnomAD exomes 0.00006 and 0.00014; TOPMed 0.00006; 1000 Genomes Project 30x 0.00016; 1000 Genomes Project 0.00020; ESP Exome Variant Server 0.00031.

Submissions (8):

Labcorp Genetics (formerly Invitae), Labcorp
Classification: Likely pathogenic for RYR1-related disorder. Last evaluated: 2026-01-06. Review status: criteria provided, single submitter. Criteria: Invitae Variant Classification Sherloc (09022015). Collection method: clinical testing. Allele origin: germline.
Comment: This sequence change replaces arginine, which is basic and polar, with cysteine, which is neutral and slightly polar, at codon 986 of the RYR1 protein (p.Arg986Cys). This variant is present in population databases (rs150993059, gnomAD 0.01%). This missense change has been observed in individual(s) with autosomal recessive congenital myopathy (PMID: 22473935, 37937776). In at least one individual the data is consistent with being in trans (on the opposite chromosome) from a pathogenic variant. ClinVar contains an entry for this variant (Variation ID: 161367). Invitae Evidence Modeling of protein sequence and biophysical properties (such as structural, functional, and spatial information, amino acid conservation, physicochemical variation, residue mobility, and thermodynamic stability) indicates that this missense variant is not expected to disrupt RYR1 protein function with a negative predictive value of 80%. In summary, the currently available evidence indicates that the variant is pathogenic, but additional data are needed to prove that conclusively. Therefore, this variant has been classified as Likely Pathogenic.

Women's Health and Genetics/Laboratory Corporation of America, LabCorp
Classification: Uncertain significance. Last evaluated: 2024-10-16. Review status: criteria provided, single submitter. Criteria: LabCorp Variant Classification Summary - May 2015. Collection method: clinical testing. Allele origin: germline.
Comment: Variant summary: RYR1 c.2956C>T (p.Arg986Cys) results in a non-conservative amino acid change located in the Ryanodine receptor Ryr domain (IPR003032) of the encoded protein sequence. Five of five in-silico tools predict a damaging effect of the variant on protein function. The variant allele was found at a frequency of 6e-05 in 248634 control chromosomes, predominantly at a frequency of 0.00012 within the Non-Finnish European subpopulation in the gnomAD database. The observed variant frequency within Non-Finnish European control individuals in the gnomAD database is approximately 1.4-fold of the estimated maximal expected allele frequency for a pathogenic variant in RYR1 causing Malignant Hyperthermia Susceptibility phenotype (8.8e-05). The allele frequency suggests that the variant is not causal for a dominant phenotype with high penetrance, and early onset disease, however the association with recessive conditions cannot be excluded based on this frequency. The variant, c.2956C>T, has been reported in the literature in a compound heterozygous individual affected with Myopathy (Klein_2012), who also carried a loss-of-function variant classified as 'pathogenic' by our lab for recessive RYR1-related myopathy. These data do not allow clear conclusions about variant significance. To our knowledge, no experimental evidence demonstrating an impact on protein function has been reported. The following publications have been ascertained in the context of this evaluation (PMID: 22473935, 24195946). ClinVar contains an entry for this variant (Variation ID: 161367). Based on the evidence outlined above, the variant was classified as uncertain significance.

All of Us Research Program, National Institutes of Health
Classification: Uncertain significance for Malignant hyperthermia, susceptibility to, 1. Last evaluated: 2024-09-09. Review status: criteria provided, single submitter. Criteria: ACMG Guidelines, 2015. Collection method: clinical testing. Allele origin: germline. Inheritance: Autosomal dominant inheritance. Observed: 28 variant alleles, 28 heterozygotes.
Comment: This missense variant replaces arginine with cysteine at codon 986 of the RYR1 protein. Computational prediction suggests that this variant may have deleterious impact on protein structure and function (internally defined REVEL score threshold >= 0.7, PMID: 27666373). To our knowledge, functional studies have not been reported for this variant. This variant has not been reported in individuals affected with autosomal dominant malignant hyperthermia susceptibility in the literature, although it is associated with other phenotypes (ClinVar Variation ID: 161367). This variant has been identified in 17/280012 chromosomes in the general population by the Genome Aggregation Database (gnomAD). Due to insufficient evidence, this variant is classified as a Variant of Uncertain Significance for autosomal dominant malignant hyperthermia.

This study involves interpretation of variants in research participants for the purpose of population health screening. Participant phenotype was not available at the time of variant classification. Additional details can be found in publication PMID: 35346344, PMCID: PMC8962531

Color Diagnostics, LLC DBA Color Health
Classification: Uncertain significance for Malignant hyperthermia, susceptibility to, 1. Last evaluated: 2024-03-13. Review status: criteria provided, single submitter. Criteria: ACMG Guidelines, 2015. Collection method: clinical testing. Allele origin: germline.
Comment: This missense variant replaces arginine with cysteine at codon 986 of the RYR1 protein. Computational prediction is inconclusive regarding the impact of this variant on protein structure and function. To our knowledge, functional studies have not been reported for this variant. This variant has not been reported in individuals affected with autosomal dominant malignant hyperthermia susceptibility in the literature, although it is associated with other phenotypes (ClinVar Variation ID: 161367). This variant has been identified in 17/280012 chromosomes in the general population by the Genome Aggregation Database (gnomAD). Due to insufficient evidence, this variant is classified as a Variant of Uncertain Significance for autosomal dominant malignant hyperthermia.

GeneDx
Classification: Uncertain significance. Last evaluated: 2019-10-18. Review status: criteria provided, single submitter. Criteria: GeneDx Variant Classification Process June 2021. Collection method: clinical testing. Allele origin: germline. Affected: yes.
Comment: Not observed at a significant frequency in large population cohorts (Lek et al., 2016); In silico analysis, which includes protein predictors and evolutionary conservation, supports a deleterious effect; Reported in the compound heterozygous state in an individual with congenital myopathy (Klein et al., 2012); This variant is associated with the following publications: (PMID: 26332594, 22473935, 24195946, 25637381, 24055113)

Revvity Omics, Revvity
Classification: Uncertain significance. Last evaluated: 2019-09-10. Review status: criteria provided, single submitter. Criteria: ACMG Guidelines, 2015. Collection method: clinical testing. Allele origin: germline.

Biesecker Lab/Clinical Genomics Section, National Institutes of Health
Classification: Uncertain significance for Malignant hyperthermia, susceptibility to, 1. Last evaluated: 2013-07-01. Review status: criteria provided, single submitter. Criteria: Gonsalves et al. 2013. Collection method: research. Allele origin: unknown. Observed: 1 variant allele. Study: ClinSeq.
Comment: The study set was not selected for affection status in relation to any myopathy. Pathogenicity categories were based on literature curation. See Pubmed ID: 24195946 for details.

CSER _CC_NCGL, University of Washington
Classification: Uncertain significance for Myopathy, congenital. Last evaluated: 2014-06-01. Review status: no assertion criteria provided. Collection method: research. Allele origin: germline. Inheritance: Autosomal dominant inheritance. Study: ESP 6500 variant annotation. Not counted in ClinVar's aggregate classification.
Comment: Variants classified for the Actionable exomic incidental findings in 6503 participants: challenges of variant classification manuscript

Literature cited by the submitters: PubMed 22473935 (cited by Labcorp Genetics (formerly Invitae), Labcorp and Women's Health and Genetics/Laboratory Corporation of America, LabCorp); PubMed 37937776 (cited by Labcorp Genetics (formerly Invitae), Labcorp); PubMed 24195946 (cited by Women's Health and Genetics/Laboratory Corporation of America, LabCorp).

NM_000540.3(RYR1):c.2956C>T (p.Arg986Cys)

Gene: RYR1 (ryanodine receptor 1; plus strand). Cytogenetic location: 19q13.2.
Variant type: single nucleotide variant.
Coding change: c.2956C>T on transcript NM_000540.3 (MANE Select); coding-DNA position 2956, C replaced by T.
Protein change: p.Arg986Cys; replaces arginine 986 with cysteine.
Molecular consequence: missense variant.
Genome position (GRCh38, 1-based): chr19:38,466,176, C>T. VCF-style: chr19-38466176-C-T. GRCh37 (hg19) VCF-style: chr19-38956816-C-T.
Other names: c.2956C>T, p.Arg986Cys (NM_001042723.2); short protein forms R986C.
Identifiers: ClinVar variation 161367 (VCV000161367.19), dbSNP rs150993059, ClinGen allele CA024378.
Genomic context (GRCh38, chr19:38,466,176, plus strand): 5'-CCGGCTCCGCTGGACCTGAGCCACGTGCGGCTGACGCCGGCGCAGACGACACTGGTGGAC[C>T]GTCTGGCAGAAAATGGGCACAACGTGTGGGCCCGAGACCGCGTGGGCCAGGGCTGGAGCT-3'
Protein context (NP_000531.2, residues 976-996): LTPAQTTLVD[Arg986Cys]LAENGHNVWA